The following is an entry in ClinVar:

NM_000218.3(KCNQ1):c.1514+8895C>T

Genes: KCNQ1 (potassium voltage-gated channel subfamily Q member 1; plus strand), KCNQ1OT1 (KCNQ1 opposite strand/antisense transcript 1; minus strand). Cytogenetic location: 11p15.5.
Variant type: single nucleotide variant.
Coding change: c.1514+8895C>T on transcript NM_000218.3 (MANE Select); 8895 bases into the intron after coding-DNA position 1514, C replaced by T.
Molecular consequence: intron variant.
Genome position (GRCh38, 1-based): chr11:2,670,976, C>T. VCF-style: chr11-2670976-C-T. GRCh37 (hg19) VCF-style: chr11-2692206-C-T.
Other names: c.1244+8895C>T (NM_001406837.1); c.1418+8895C>T (NM_001406836.1); c.974+8895C>T (NM_001406838.1); c.1133+8895C>T (NM_181798.2).
Identifiers: ClinVar variation 1694618 (VCV001694618.31), dbSNP rs187551401, ClinGen allele CA216177832.

ClinVar aggregate classification (germline): Likely benign (1 of 4 stars; one submission).

Allele frequency attached by ClinVar (database versions not stated): 1000 Genomes Project 30x 0.00031; 1000 Genomes Project 0.00040; gnomAD exomes 0.00112.
gnomAD v4.1: 410 of 398,640 alleles (0.1%); highest among the groups gnomAD compares: Non-Finnish European, 0.16%; 1 homozygote.

Submission:

CeGaT Center for Human Genetics Tuebingen
Classification: Likely benign. Last evaluated: 2025-11-01. Review status: criteria provided, single submitter. Criteria: CeGaT Center For Human Genetics Tuebingen Variant Classification Criteria Version 2. Collection method: clinical testing. Allele origin: germline. Affected: yes. Observed: 6 variant alleles.
Comment: KCNQ1OT1: BS1